The following is an entry in ClinVar:

ClinVar aggregate classification (germline): Likely benign. Review status: criteria provided, multiple submitters, no conflicts (2 of 4 stars). 3 submissions from 3 submitters: Likely benign (3). Last evaluated 2026-01-20.

Conditions:
Wilson disease (WND). Also called: Wilson's disease. Identifiers: Orphanet 905, MedGen C0019202, MONDO:0010200, OMIM 277900. Disease mechanism: loss of function.

Allele frequency attached by ClinVar (database versions not stated): TOPMed below 0.00001; gnomAD 0.00001; gnomAD exomes 0.00001 and 0.00002; ESP Exome Variant Server 0.00008; ExAC 0.00002.
gnomAD v4.1: 10 of 1,614,052 alleles (0.00062%); highest among the groups gnomAD compares: South Asian, 0.0033%; no homozygotes.

Submissions (3):

Labcorp Genetics (formerly Invitae), Labcorp
Classification: Likely benign for Wilson disease. Last evaluated: 2026-01-20. Review status: criteria provided, single submitter. Criteria: Invitae Variant Classification Sherloc (09022015). Collection method: clinical testing. Allele origin: germline.

All of Us Research Program, National Institutes of Health
Classification: Likely benign for Wilson disease. Last evaluated: 2024-05-14. Review status: criteria provided, single submitter. Criteria: ACMG Guidelines, 2015. Collection method: clinical testing. Allele origin: germline. Inheritance: Autosomal recessive inheritance. Observed: 4 variant alleles, 4 heterozygotes.
Comment: This study involves interpretation of variants in research participants for the purpose of population health screening. Participant phenotype was not available at the time of variant classification. Additional details can be found in publication PMID: 35346344, PMCID: PMC8962531

Color Diagnostics, LLC DBA Color Health
Classification: Likely benign for Wilson disease. Last evaluated: 2022-04-22. Review status: criteria provided, single submitter. Criteria: ACMG Guidelines, 2015. Collection method: clinical testing. Allele origin: germline.

NM_000053.4(ATP7B):c.2667C>T (p.His889=)

Gene: ATP7B (ATPase copper transporting beta; minus strand). Cytogenetic location: 13q14.3.
Variant type: single nucleotide variant.
Coding change: c.2667C>T on transcript NM_000053.4 (MANE Select); coding-DNA position 2667, C replaced by T.
Protein change: p.His889=; no amino-acid change (histidine 889 retained).
Molecular consequence: synonymous variant.
Genome position (GRCh38, 1-based): chr13:51,950,070, G>A on the plus strand (C>T on the coding strand, the complement: ATP7B is on the minus strand). VCF-style: chr13-51950070-G-A. GRCh37 (hg19) VCF-style: chr13-52524206-G-A.
Other names: c.2181C>T, p.His727= (NM_001005918.3); c.2334C>T, p.His778= (NM_001243182.2); c.2433C>T, p.His811= (NM_001330578.2); c.2415C>T, p.His805= (NM_001330579.2).
Identifiers: ClinVar variation 810699 (VCV000810699.20), dbSNP rs373539367, ClinGen allele CA6988940.